The following is an entry in ClinVar:

NC_012920.1(MT-CO3):m.9727C>T

Gene: MT-CO3 (mitochondrially encoded cytochrome c oxidase III; plus strand).
Variant type: single nucleotide variant.
Genome position: chrM-9727-C-T.
Identifiers: ClinVar variation 693212 (VCV000693212.1), dbSNP rs1603222461, ClinGen allele CA414803578.
Genomic context (GRCh38, chrMT:9,727, plus strand): 5'-ACAACCGAAACCAAATAATTCAAGCACTGCTTATTACAATTTTACTGGGTCTCTATTTTA[C>T]CCTCCTACAAGCCTCAGAGTACTTCGAGTCTCCCTTCACCATTTCCGACGGCATCTACGG-3'

ClinVar aggregate classification (germline): Likely benign (1 of 4 stars; one submission).

Conditions:
Leigh syndrome (NULS). Also called: Leigh's necrotizing encephalopathy; Leigh's disease; Leigh Syndrome (mtDNA deletion); Leigh Disease; Subacute necrotizing encephalopathy; Necrotizing encephalopathy infantile subacute of Leigh. Identifiers: Orphanet 506, MedGen C2931891, MONDO:0009723, OMIM 256000.

Submission:

Wong Mito Lab, Molecular and Human Genetics, Baylor College of Medicine
Classification: Likely benign for Leigh syndrome. Last evaluated: 2019-10-17. Review status: criteria provided, single submitter. Criteria: Modified ACMG Guidelines (Unpublished). Collection method: clinical testing. Allele origin: germline.
Comment: The NC_012920.1:m.9727C>T (YP_003024032.1:p.Thr174Ile) variant in MTCO3 gene is interpretated to be a Likely Benign variant based on the modified ACMG guidelines (unpublished). This variant meets the following evidence codes: BS4, BP6